The following is an entry in ClinVar:

NM_006580.4(CLDN16):c.106T>C (p.Ser36Pro)

Gene: CLDN16 (claudin 16; plus strand). Cytogenetic location: 3q28.
Variant type: single nucleotide variant.
Coding change: c.106T>C on transcript NM_006580.4 (MANE Select); coding-DNA position 106, T replaced by C.
Protein change: p.Ser36Pro; replaces serine 36 with proline.
Molecular consequence: missense variant.
Genome position (GRCh38, 1-based): chr3:190,388,435, T>C. VCF-style: chr3-190388435-T-C. GRCh37 (hg19) VCF-style: chr3-190106224-T-C.
Other names: c.106T>C, p.Ser36Pro (NM_001378492.1, NM_001378493.1); short protein forms S36P.
Identifiers: ClinVar variation 957227 (VCV000957227.6), dbSNP rs761873372, ClinGen allele CA2753741.

ClinVar aggregate classification (germline): Uncertain significance. Review status: criteria provided, multiple submitters, no conflicts (2 of 4 stars). 2 submissions from 2 submitters: Uncertain significance (2). Last evaluated 2024-01-06.

Conditions:
Primary hypomagnesemia (HOMG3). Also called: HYPOMAGNESEMIA, FAMILIAL, WITH HYPERCALCIURIA AND NEPHROCALCINOSIS; HYPOMAGNESEMIA, ISOLATED RENAL; HYPOMAGNESEMIA, PRIMARY, DUE TO DEFECT IN RENAL TUBULAR TRANSPORT OF MAGNESIUM; HYPOMAGNESEMIA 3, RENAL. Identifiers: Orphanet 31043, MedGen C0268448, MONDO:0009550, OMIM 248250.

Allele frequency attached by ClinVar (database versions not stated): gnomAD 0.00001; gnomAD exomes 0.00004 and 0.00017; TOPMed 0.00005; ExAC 0.00018.
gnomAD v4.1: 56 of 1,613,898 alleles (0.0035%); highest among the groups gnomAD compares: Admixed American, 0.085%; no homozygotes.

Submissions (2):

Fulgent Genetics
Classification: Uncertain significance for Primary hypomagnesemia. Last evaluated: 2024-01-06. Review status: criteria provided, single submitter. Criteria: ACMG Guidelines, 2015. Collection method: clinical testing. Allele origin: germline.

Labcorp Genetics (formerly Invitae), Labcorp
Classification: Uncertain significance. Last evaluated: 2022-07-14. Review status: criteria provided, single submitter. Criteria: Invitae Variant Classification Sherloc (09022015). Collection method: clinical testing. Allele origin: germline.
Comment: This sequence change replaces serine, which is neutral and polar, with proline, which is neutral and non-polar, at codon 106 of the CLDN16 protein (p.Ser106Pro). This variant is present in population databases (rs761873372, gnomAD 0.08%). This missense change has been observed in individual(s) with CLDN16-related disease (Invitae). ClinVar contains an entry for this variant (Variation ID: 957227). Algorithms developed to predict the effect of missense changes on protein structure and function (SIFT, PolyPhen-2, Align-GVGD) all suggest that this variant is likely to be disruptive. In summary, the available evidence is currently insufficient to determine the role of this variant in disease. Therefore, it has been classified as a Variant of Uncertain Significance.